The following is an entry in ClinVar:

NM_001829.4(CLCN3):c.620A>G (p.Tyr207Cys)

Gene: CLCN3 (chloride voltage-gated channel 3; plus strand). Cytogenetic location: 4q33.
Variant type: single nucleotide variant.
Coding change: c.620A>G on transcript NM_001829.4 (MANE Select); coding-DNA position 620, A replaced by G.
Protein change: p.Tyr207Cys; replaces tyrosine 207 with cysteine.
Molecular consequence: missense variant.
Genome position (GRCh38, 1-based): chr4:169,690,543, A>G. VCF-style: chr4-169690543-A-G. GRCh37 (hg19) VCF-style: chr4-170611694-A-G.
Other names: c.620A>G, p.Tyr207Cys (NM_001243372.2, NM_173872.4); c.539A>G, p.Tyr180Cys (NM_001243374.2); short protein forms Y180C, Y207C.
Identifiers: ClinVar variation 3145418 (VCV003145418.2), dbSNP rs1732328265, ClinGen allele CA358737229.

ClinVar aggregate classification (germline): Uncertain significance (1 of 4 stars; one submission).

Conditions:
Inborn genetic diseases. Identifiers: MedGen C0950123, MeSH D030342.

Submission:

Ambry Genetics
Classification: Uncertain significance for Inborn genetic diseases. Last evaluated: 2024-04-15. Review status: criteria provided, single submitter. Criteria: Ambry Variant Classification Scheme 2023. Collection method: clinical testing. Allele origin: germline.
Comment: The c.620A>G (p.Y207C) alteration is located in exon 1 (coding exon 1) of the CLCN3 gene. This alteration results from a A to G substitution at nucleotide position 620, causing the tyrosine (Y) at amino acid position 207 to be replaced by a cysteine (C). This variant was not reported in population-based cohorts in the Genome Aggregation Database (gnomAD). This amino acid position is highly conserved in available vertebrate species. This alteration is predicted to be deleterious by in silico analysis. Based on insufficient or conflicting evidence, the clinical significance of this alteration remains unclear.